The following is an entry in ClinVar:

ClinVar aggregate classification (germline): Uncertain significance (1 of 4 stars; one submission).

Conditions:
Inborn genetic diseases. Identifiers: MedGen C0950123, MeSH D030342.

Submission:

Ambry Genetics
Classification: Uncertain significance for Inborn genetic diseases. Last evaluated: 2026-01-24. Review status: criteria provided, single submitter. Criteria: Ambry Variant Classification Scheme 2023. Collection method: clinical testing. Allele origin: germline.
Comment: The p.R153G variant (also known as c.457A>G), located in coding exon 6 of the ASXL1 gene, results from an A to G substitution at nucleotide position 457. The arginine at codon 153 is replaced by glycine, an amino acid with dissimilar properties. This amino acid position is conserved. In addition, this alteration is predicted to be tolerated by in silico analysis. Based on the available evidence, the clinical significance of this variant remains unclear.

NM_015338.6(ASXL1):c.457A>G (p.Arg153Gly)

Gene: ASXL1 (ASXL transcriptional regulator 1; plus strand). Cytogenetic location: 20q11.21.
Variant type: single nucleotide variant.
Coding change: c.457A>G on transcript NM_015338.6 (MANE Select); coding-DNA position 457, A replaced by G.
Protein change: p.Arg153Gly; replaces arginine 153 with glycine.
Molecular consequence: missense variant.
Genome position (GRCh38, 1-based): chr20:32,428,408, A>G. VCF-style: chr20-32428408-A-G. GRCh37 (hg19) VCF-style: chr20-31016211-A-G.
Other names: c.427A>G, p.Arg143Gly (NM_001363734.1); short protein forms R143G, R153G.
Identifiers: ClinVar variation 4825199 (VCV004825199.1).